The following is an entry in ClinVar:

ClinVar aggregate classification (germline): Uncertain significance. Review status: criteria provided, multiple submitters, no conflicts (2 of 4 stars). 5 submissions from 4 submitters: Uncertain significance (5). Last evaluated 2025-08-04.

Conditions:
Cardiovascular phenotype. Identifiers: MedGen CN230736.
Hereditary cancer-predisposing syndrome. Also called: Hereditary Cancer Syndrome; Neoplastic Syndromes, Hereditary; Tumor predisposition; Hereditary neoplastic syndrome. Identifiers: Orphanet 140162, MedGen C0027672, MeSH D009386, MONDO:0015356.
Neurofibromatosis, type 1 (NF1). Also called: Neurofibromatosis, type I; VON RECKLINGHAUSEN DISEASE; NEUROFIBROMATOSIS, TYPE I, SOMATIC; Peripheral type neurofibromatosis. Identifiers: Orphanet 636, MedGen C0027831, MONDO:0018975, OMIM 162200. Disease mechanism: loss of function.

Allele frequency attached by ClinVar (database versions not stated): TOPMed below 0.00001; gnomAD 0.00001.
gnomAD v4.1: 1 of 1,611,818 alleles (0.000062%); highest among the groups gnomAD compares: Non-Finnish European, 0.000085%; no homozygotes.

Submissions (5):

Labcorp Genetics (formerly Invitae), Labcorp
Classification: Uncertain significance for Neurofibromatosis, type 1. Last evaluated: 2025-08-04. Review status: criteria provided, single submitter. Criteria: Invitae Variant Classification Sherloc (09022015). Collection method: clinical testing. Allele origin: germline.
Comment: This sequence change replaces glycine, which is neutral and non-polar, with alanine, which is neutral and non-polar, at codon 859 of the NF1 protein (p.Gly859Ala). This variant is not present in population databases (gnomAD no frequency). This variant has not been reported in the literature in individuals affected with NF1-related conditions. ClinVar contains an entry for this variant (Variation ID: 232542). Invitae Evidence Modeling of protein sequence and biophysical properties (such as structural, functional, and spatial information, amino acid conservation, physicochemical variation, residue mobility, and thermodynamic stability) indicates that this missense variant is not expected to disrupt NF1 protein function with a negative predictive value of 95%. In summary, the available evidence is currently insufficient to determine the role of this variant in disease. Therefore, it has been classified as a Variant of Uncertain Significance.

Ambry Genetics
Classification: Uncertain significance for Cardiovascular phenotype; Hereditary cancer-predisposing syndrome. Last evaluated: 2025-01-10. Review status: criteria provided, single submitter. Criteria: Ambry Variant Classification Scheme 2023. Collection method: clinical testing. Allele origin: germline.

Genome-Nilou Lab
Classification: Uncertain significance for Neurofibromatosis, type 1. Last evaluated: 2022-03-15. Review status: criteria provided, single submitter. Criteria: ACMG Guidelines, 2015. Collection method: clinical testing. Allele origin: germline. Affected: no.

GeneDx
Classification: Uncertain significance. Last evaluated: 2019-05-03. Review status: criteria provided, single submitter. Criteria: GeneDx Variant Classification Process June 2021. Collection method: clinical testing. Allele origin: germline. Affected: yes.
Comment: Not observed in large population cohorts (Lek et al., 2016); Has not been previously published as pathogenic or benign to our knowledge

Ambry Genetics
Classification: Uncertain significance for Hereditary cancer-predisposing syndrome. Last evaluated: 2015-06-17. Review status: criteria provided, single submitter. Criteria: Ambry Autosomal Dominant and X-Linked criteria (10/2015). Collection method: clinical testing. Allele origin: germline. Observed: 1 variant allele.
Comment: The p.G859A variant (also known as c.2576G>C), located in coding exon 21 of the NF1 gene, results from a G to C substitution at nucleotide position 2576. The glycine at codon 859 is replaced by alanine, an amino acid with similar properties. This variant was not reported in population based cohorts in the following databases: Database of Single Nucleotide Polymorphisms (dbSNP), NHLBI Exome Sequencing Project (ESP), and 1000 Genomes Project. In the ESP, this variant was not observed in 6501 samples (13002 alleles) with coverage at this position. To date, this alteration has been detected with an allele frequency of approximately 0.002% (greater than 55000alleles tested) in our clinical cohort.This amino acid position is well conserved in available vertebrate species. In addition, this alteration is predicted to be tolerated by in silico analysis.Since supporting evidence is limited at this time, the clinical significance of p.G859Aremains unclear.

NM_001042492.3(NF1):c.2576G>C (p.Gly859Ala)

Gene: NF1 (neurofibromin 1; plus strand). Cytogenetic location: 17q11.2.
Variant type: single nucleotide variant.
Coding change: c.2576G>C on transcript NM_001042492.3 (MANE Select); coding-DNA position 2576, G replaced by C.
Protein change: p.Gly859Ala; replaces glycine 859 with alanine.
Molecular consequence: missense variant.
Genome position (GRCh38, 1-based): chr17:31,229,191, G>C. VCF-style: chr17-31229191-G-C. GRCh37 (hg19) VCF-style: chr17-29556209-G-C.
Other names: c.2576G>C, p.Gly859Ala (NM_000267.4); short protein forms G859A.
Identifiers: ClinVar variation 232542 (VCV000232542.14), dbSNP rs876659829, ClinGen allele CA10580258.